The following is an entry in ClinVar:

NM_144596.4(TTC8):c.-25G>A

Gene: TTC8 (tetratricopeptide repeat domain 8; plus strand). Cytogenetic location: 14q31.3.
Variant type: single nucleotide variant.
Coding change: c.-25G>A on transcript NM_144596.4 (MANE Select); 25 bases upstream of the start codon, G replaced by A.
Molecular consequence: 5 prime UTR variant. On other transcripts: non-coding transcript variant (1).
Genome position (GRCh38, 1-based): chr14:88,824,683, G>A. VCF-style: chr14-88824683-G-A. GRCh37 (hg19) VCF-style: chr14-89291027-G-A.
Other names: c.-25G>A (NM_001288781.1, NM_001366535.2, NM_001366536.2 and 2 more transcripts); c.-587G>A (NM_001288782.1); c.-682G>A (NM_001288783.1).
Identifiers: ClinVar variation 262512 (VCV000262512.8), dbSNP rs7145692, ClinGen allele CA7302283.

ClinVar aggregate classification (germline): Conflicting classifications of pathogenicity. Review status: criteria provided, conflicting classifications (1 of 4 stars). 3 submissions from 2 submitters: Uncertain significance (1); Likely benign (1). 1 of the submissions does not count toward it. Last evaluated 2018-01-12.

Conditions:
Bardet-Biedl syndrome 8 (BBS8). Identifiers: Orphanet 110, MedGen C1859566, MONDO:0014436, OMIM 615985.
Retinitis pigmentosa (RP). Identifiers: Orphanet 791, MedGen C0035334, MeSH D012174, MONDO:0019200, OMIM 268000. Inheritance: Autosomal dominant, autosomal recessive and X linked inheritance.
TTC8-related disorder. Also called: TTC8-related condition.

Allele frequency attached by ClinVar (database versions not stated): ESP Exome Variant Server 0.00224; 1000 Genomes Project 0.00280; gnomAD 0.00290; 1000 Genomes Project 30x 0.00297; TOPMed 0.00392.
gnomAD v4.1: 2,330 of 1,571,366 alleles (0.15%); highest among the groups gnomAD compares: Middle Eastern, 0.89%; 9 homozygotes.

Submissions (3):

Illumina Laboratory Services, Illumina
Classification: Uncertain significance for Retinitis pigmentosa. Last evaluated: 2018-01-12. Review status: criteria provided, single submitter. Criteria: ICSL Variant Classification Criteria 13 December 2019. Collection method: clinical testing. Allele origin: germline.

Illumina Laboratory Services, Illumina
Classification: Likely benign for Bardet-Biedl syndrome 8. Last evaluated: 2018-01-12. Review status: criteria provided, single submitter. Criteria: ICSL Variant Classification Criteria 13 December 2019. Collection method: clinical testing. Allele origin: germline.
Comment: This variant was observed in the ICSL laboratory as part of a predisposition screen in an ostensibly healthy population. It had not been previously curated by ICSL or reported in the Human Gene Mutation Database (HGMD: prior to June 1st, 2018), and was therefore a candidate for classification through an automated scoring system. Utilizing variant allele frequency, disease prevalence and penetrance estimates, and inheritance mode, an automated score was calculated to assess if this variant is too frequent to cause the disease. Based on the score and internal cut-off values, a variant classified as likely benign is not then subjected to further curation. The score for this variant resulted in a classification of likely benign for this disease.

PreventionGenetics, part of Exact Sciences
Classification: Benign for TTC8-related condition. Last evaluated: 2021-08-16. Review status: no assertion criteria provided. Collection method: clinical testing. Allele origin: germline. Not counted in ClinVar's aggregate classification.
Comment: This variant is classified as benign based on ACMG/AMP sequence variant interpretation guidelines (Richards et al. 2015 PMID: 25741868, with internal and published modifications).